The following is an entry in ClinVar:

NM_000285.4(PEPD):c.834C>T (p.Gly278=)

Gene: PEPD (peptidase D; minus strand). Cytogenetic location: 19q13.11.
Variant type: single nucleotide variant.
Coding change: c.834C>T on transcript NM_000285.4 (MANE Select); coding-DNA position 834, C replaced by T.
Protein change: p.Gly278=; no amino-acid change (glycine 278 retained).
Molecular consequence: synonymous variant.
Genome position (GRCh38, 1-based): chr19:33,401,854, G>A on the plus strand (C>T on the coding strand, the complement: PEPD is on the minus strand). VCF-style: chr19-33401854-G-A. GRCh37 (hg19) VCF-style: chr19-33892760-G-A.
Other names: c.711C>T, p.Gly237= (NM_001166056.2); c.642C>T, p.Gly214= (NM_001166057.2).
Identifiers: ClinVar variation 328805 (VCV000328805.40), dbSNP rs371699300, ClinGen allele CA9364101.

ClinVar aggregate classification (germline): Conflicting classifications of pathogenicity. Review status: criteria provided, conflicting classifications (1 of 4 stars). 4 submissions from 4 submitters: Uncertain significance (1); Likely benign (3). Last evaluated 2026-04-01.

Conditions:
Prolidase deficiency. Identifiers: Orphanet 742, MedGen C0268532, MONDO:0008221, OMIM 170100.

Allele frequency attached by ClinVar (database versions not stated): ESP Exome Variant Server 0.00039; 1000 Genomes Project 0.00040; 1000 Genomes Project 30x 0.00047; gnomAD exomes 0.00050 and 0.00052; ExAC 0.00052; gnomAD 0.00064 and 0.00067; TOPMed 0.00104.
gnomAD v4.1: 826 of 1,613,078 alleles (0.051%); highest among the groups gnomAD compares: Admixed American, 0.14%; no homozygotes.

Submissions (4):

CeGaT Center for Human Genetics Tuebingen
Classification: Likely benign. Last evaluated: 2026-04-01. Review status: criteria provided, single submitter. Criteria: CeGaT Center For Human Genetics Tuebingen Variant Classification Criteria Version 2. Collection method: clinical testing. Allele origin: germline. Affected: yes. Observed: 5 variant alleles.
Comment: PEPD: BP4, BP7

Labcorp Genetics (formerly Invitae), Labcorp
Classification: Likely benign. Last evaluated: 2026-02-01. Review status: criteria provided, single submitter. Criteria: Invitae Variant Classification Sherloc (09022015). Collection method: clinical testing. Allele origin: germline.

Blueprint Genetics
Classification: Likely benign. Last evaluated: 2024-11-11. Review status: criteria provided, single submitter. Criteria: ACMG Guidelines, 2015. Collection method: clinical testing. Allele origin: germline.

Illumina Laboratory Services, Illumina
Classification: Uncertain significance for Prolidase deficiency. Last evaluated: 2018-01-13. Review status: criteria provided, single submitter. Criteria: ICSL Variant Classification Criteria 13 December 2019. Collection method: clinical testing. Allele origin: germline.